The following is an entry in ClinVar:

ClinVar aggregate classification (germline): Pathogenic/Likely pathogenic. Review status: criteria provided, multiple submitters, no conflicts (2 of 4 stars). 5 submissions from 5 submitters: Pathogenic (2); Likely pathogenic (2). 1 of the submissions does not count toward it. Last evaluated 2024-05-28.

Conditions:
Bardet-Biedl syndrome (BBS). Identifiers: Orphanet 110, MedGen C0752166, MONDO:0015229.
Bardet-Biedl syndrome 1 (BBS1). Identifiers: MedGen C2936862, MONDO:0008854, OMIM 209900. Disease mechanism: loss of function.

Allele frequency attached by ClinVar (database versions not stated): ExAC 0.00001; gnomAD exomes 0.00001.
gnomAD v4.1: 8 of 1,613,950 alleles (0.0005%); highest among the groups gnomAD compares: South Asian, 0.0088%; no homozygotes.

Submissions (5):

Natera, Inc.
Classification: Pathogenic for Bardet-Biedl syndrome type 1. Last evaluated: 2024-05-28. Review status: criteria provided, single submitter. Criteria: Natera Variant Classification Schema (03/2026). Collection method: clinical testing. Allele origin: germline.
Comment: The c.48-2A>C variant in BBS1 is a canonical splice acceptor site variant predicted to affect pre-mRNA splicing, which may result in an abnormal transcript and altered protein product. This variant is expected to result in nonsense mediated decay, truncation, or a dysfunctional protein product. This variant is rare in the general population with a frequency below the threshold expected for the associated phenotype(s). Another variant at this same site results in an alteration predicted to cause a similar molecular effect has been observed in individual(s) with the associated phenotype. Given the available evidence, this variant is classified as Pathogenic.

Labcorp Genetics (formerly Invitae), Labcorp
Classification: Pathogenic for Bardet-Biedl syndrome. Last evaluated: 2022-02-05. Review status: criteria provided, single submitter. Criteria: Invitae Variant Classification Sherloc (09022015). Collection method: clinical testing. Allele origin: germline.
Comment: For these reasons, this variant has been classified as Pathogenic. Algorithms developed to predict the effect of sequence changes on RNA splicing suggest that this variant may disrupt the consensus splice site. ClinVar contains an entry for this variant (Variation ID: 371141). Disruption of this splice site has been observed in individual(s) with Bardet-Biedl syndrome (PMID: 19797195). This variant is present in population databases (rs764245266, gnomAD 0.01%). This sequence change affects an acceptor splice site in intron 1 of the BBS1 gene. It is expected to disrupt RNA splicing. Variants that disrupt the donor or acceptor splice site typically lead to a loss of protein function (PMID: 16199547), and loss-of-function variants in BBS1 are known to be pathogenic (PMID: 12118255).

Department of Medical Genetics, Sanjay Gandhi Post Graduate Institute of Medical Sciences
Classification: Likely pathogenic for Bardet-Biedl syndrome 1. Review status: criteria provided, single submitter. Criteria: ACMG Guidelines, 2015. Collection method: clinical testing. Allele origin: inherited. Inheritance: Autosomal recessive inheritance. Affected: yes. Observed: 1 homozygote.
Comment: Analysis of the exome sequencing data showed a novel homozygous sequence variant in BBS1 gene. This variant is classified as likely pathogenic which shows strong evidence of pathogenicity according to ACMG guidelines (Richards et al., 2015).

Neuberg Centre For Genomic Medicine, NCGM
Classification: Likely pathogenic for Bardet-Biedl syndrome 1. Review status: criteria provided, single submitter. Criteria: ACMG Guidelines, 2015. Collection method: clinical testing. Allele origin: germline. Inheritance: Autosomal recessive inheritance. Affected: yes.
Comment: The observed invariant splice acceptor c.48-2A>C variant in BBS1 gene has not been reported previously as a pathogenic variant nor as a benign variant, to our knowledge. The c.48-2A>C variant is present with allele frequency of 0.0008% in gnomAD Exomes. This variant has been submitted to the ClinVar database as Pathogenic/ Likely Pathogenic. Loss of function variants in BBS1 gene have been previously reported to be disease causing (Harville et al., 2010). However, additional functional studies will be required to prove the pathogenicity of this variant. For these reasons, this variant has been classified as Likely Pathogenic.

Counsyl
Classification: Likely pathogenic for Bardet-Biedl syndrome 1. Last evaluated: 2016-07-18. Review status: no assertion criteria provided. Collection method: clinical testing. Allele origin: unknown. Not counted in ClinVar's aggregate classification.

Literature cited by the submitters: PubMed 19797195 (cited by Labcorp Genetics (formerly Invitae), Labcorp); PubMed 16199547 (cited by Labcorp Genetics (formerly Invitae), Labcorp); PubMed 12118255 (cited by Labcorp Genetics (formerly Invitae), Labcorp).

NM_024649.5(BBS1):c.48-2A>C

Gene: BBS1 (Bardet-Biedl syndrome 1; plus strand). Cytogenetic location: 11q13.2.
Variant type: single nucleotide variant.
Coding change: c.48-2A>C on transcript NM_024649.5 (MANE Select); the canonical splice acceptor site of the intron before coding-DNA position 48, A replaced by C.
Molecular consequence: splice acceptor variant.
Genome position (GRCh38, 1-based): chr11:66,511,011, A>C. VCF-style: chr11-66511011-A-C. GRCh37 (hg19) VCF-style: chr11-66278482-A-C.
Identifiers: ClinVar variation 371141 (VCV000371141.19), dbSNP rs764245266, ClinGen allele CA6123222.
Genomic context (GRCh38, chr11:66,511,011, plus strand): 5'-TCAAAGTTTTTTTTTCCCCTCCCATGGGACTCACTCCCCAACTGTCTTTCCCCCACTTCC[A>C]GCAATGAGGCCAATTCGAAGTGGTTGGATGCGCACTACGACCCAATGGCCAATATCCACA-3'